The following is an entry in ClinVar:

NM_001160148.2(DDHD1):c.1743T>C (p.Asp581=)

Gene: DDHD1 (DDHD domain containing 1; minus strand). Cytogenetic location: 14q22.1.
Variant type: single nucleotide variant.
Coding change: c.1743T>C on transcript NM_001160148.2 (MANE Select); coding-DNA position 1743, T replaced by C.
Protein change: p.Asp581=; no amino-acid change (aspartic acid 581 retained).
Molecular consequence: synonymous variant.
Genome position (GRCh38, 1-based): chr14:53,062,966, A>G on the plus strand (T>C on the coding strand, the complement: DDHD1 is on the minus strand). VCF-style: chr14-53062966-A-G. GRCh37 (hg19) VCF-style: chr14-53529684-A-G.
Other names: c.1764T>C, p.Asp588= (NM_001160147.2); c.1743T>C, p.Asp581= (NM_030637.3).
Identifiers: ClinVar variation 514595 (VCV000514595.1), dbSNP rs201166214, ClinGen allele CA260970975.

ClinVar aggregate classification (germline): Likely benign (1 of 4 stars; one submission).

Allele frequency attached by ClinVar (database versions not stated): gnomAD exomes below 0.00001; gnomAD 0.00002; TOPMed 0.00002.
gnomAD v4.1: 6 of 1,613,958 alleles (0.00037%); highest among the groups gnomAD compares: Non-Finnish European, 0.00051%; no homozygotes.

Submission:

GeneDx
Classification: Likely benign. Last evaluated: 2018-02-05. Review status: criteria provided, single submitter. Criteria: GeneDx Variant Classification (06012015). Collection method: clinical testing. Allele origin: germline. Affected: yes.
Comment: This variant is considered likely benign or benign based on one or more of the following criteria: it is a conservative change, it occurs at a poorly conserved position in the protein, it is predicted to be benign by multiple in silico algorithms, and/or has population frequency not consistent with disease.